The following is an entry in ClinVar:

NM_015335.5(MED13L):c.1034C>A (p.Ala345Asp)

Gene: MED13L (mediator complex subunit 13L; minus strand). Cytogenetic location: 12q24.21.
Variant type: single nucleotide variant.
Coding change: c.1034C>A on transcript NM_015335.5 (MANE Select); coding-DNA position 1034, C replaced by A.
Protein change: p.Ala345Asp; replaces alanine 345 with aspartic acid.
Molecular consequence: missense variant.
Genome position (GRCh38, 1-based): chr12:116,015,250, G>T on the plus strand (C>A on the coding strand, the complement: MED13L is on the minus strand). VCF-style: chr12-116015250-G-T. GRCh37 (hg19) VCF-style: chr12-116453055-G-T.
Other names: short protein forms A345D.
Identifiers: ClinVar variation 4053460 (VCV004053460.2).

ClinVar aggregate classification (germline): Uncertain significance. Review status: criteria provided, multiple submitters, no conflicts (2 of 4 stars). 2 submissions from 2 submitters: Uncertain significance (2). Last evaluated 2025-07-28.

Conditions:
Inborn genetic diseases. Identifiers: MedGen C0950123, MeSH D030342.

gnomAD v4.1: 1 of 1,613,812 alleles (0.000062%); highest among the groups gnomAD compares: Non-Finnish European, 0.000085%; no homozygotes.

Submissions (2):

GeneDx
Classification: Uncertain significance. Last evaluated: 2025-07-28. Review status: criteria provided, single submitter. Criteria: GeneDx Variant Classification Process June 2021. Collection method: clinical testing. Allele origin: germline. Affected: yes.
Comment: Not observed at significant frequency in large population cohorts (gnomAD); In silico analysis suggests that this missense variant does not alter protein structure/function; Has not been previously published as pathogenic or benign to our knowledge

Ambry Genetics
Classification: Uncertain significance for Inborn genetic diseases. Last evaluated: 2025-06-07. Review status: criteria provided, single submitter. Criteria: Ambry Variant Classification Scheme 2023. Collection method: clinical testing. Allele origin: germline.